The following is an entry in ClinVar:

NM_001005273.3(CHD3):c.4487C>T (p.Ser1496Phe)

Gene: CHD3 (chromodomain helicase DNA binding protein 3; plus strand). Cytogenetic location: 17p13.1.
Variant type: single nucleotide variant.
Coding change: c.4487C>T on transcript NM_001005273.3 (MANE Select); coding-DNA position 4487, C replaced by T.
Protein change: p.Ser1496Phe; replaces serine 1496 with phenylalanine.
Molecular consequence: missense variant.
Genome position (GRCh38, 1-based): chr17:7,906,681, C>T. VCF-style: chr17-7906681-C-T. GRCh37 (hg19) VCF-style: chr17-7809999-C-T.
Other names: c.4664C>T, p.Ser1555Phe (NM_001005271.3); c.4487C>T, p.Ser1496Phe (NM_005852.4); short protein forms S1496F, S1555F.
Identifiers: ClinVar variation 3364281 (VCV003364281.1).

ClinVar aggregate classification (germline): Uncertain significance (1 of 4 stars; one submission).

Submission:

GeneDx
Classification: Uncertain significance. Last evaluated: 2023-11-12. Review status: criteria provided, single submitter. Criteria: GeneDx Variant Classification Process June 2021. Collection method: clinical testing. Allele origin: germline. Affected: yes.
Comment: Not observed at significant frequency in large population cohorts (gnomAD); In silico analysis supports that this missense variant has a deleterious effect on protein structure/function; Has not been previously published as pathogenic or benign to our knowledge